The following is an entry in ClinVar:

ClinVar aggregate classification (germline): Uncertain significance (1 of 4 stars; one submission).

Conditions:
MHC class II deficiency. Also called: Bare lymphocyte syndrome 2; BLS, TYPE II. Identifiers: Orphanet 572, MedGen C5447452, MONDO:0008855.

Allele frequency attached by ClinVar (database versions not stated): ExAC 0.00001; gnomAD 0.00001; TOPMed 0.00001.
gnomAD v4.1: 18 of 1,613,960 alleles (0.0011%); highest among the groups gnomAD compares: Non-Finnish European, 0.0014%; no homozygotes.

Submission:

Labcorp Genetics (formerly Invitae), Labcorp
Classification: Uncertain significance for MHC class II deficiency. Last evaluated: 2022-05-24. Review status: criteria provided, single submitter. Criteria: Invitae Variant Classification Sherloc (09022015). Collection method: clinical testing. Allele origin: germline.
Comment: In summary, the available evidence is currently insufficient to determine the role of this variant in disease. Therefore, it has been classified as a Variant of Uncertain Significance. Algorithms developed to predict the effect of missense changes on protein structure and function (SIFT, PolyPhen-2, Align-GVGD) all suggest that this variant is likely to be tolerated. This variant has not been reported in the literature in individuals affected with RFXANK-related conditions. This variant is present in population databases (rs780122862, gnomAD 0.004%). This sequence change replaces arginine, which is basic and polar, with glutamine, which is neutral and polar, at codon 236 of the RFXANK protein (p.Arg236Gln).

NM_003721.4(RFXANK):c.707G>A (p.Arg236Gln)

Gene: RFXANK (regulatory factor X associated ankyrin containing protein; plus strand). Cytogenetic location: 19p13.11.
Variant type: single nucleotide variant.
Coding change: c.707G>A on transcript NM_003721.4 (MANE Select); coding-DNA position 707, G replaced by A.
Protein change: p.Arg236Gln; replaces arginine 236 with glutamine.
Molecular consequence: missense variant.
Genome position (GRCh38, 1-based): chr19:19,199,229, G>A. VCF-style: chr19-19199229-G-A. GRCh37 (hg19) VCF-style: chr19-19310038-G-A.
Other names: c.641G>A, p.Arg214Gln (NM_001278727.2, NM_001370234.1); c.638G>A, p.Arg213Gln (NM_001278728.2, NM_134440.3); c.707G>A, p.Arg236Gln (NM_001370233.1, NM_001370238.1); c.704G>A, p.Arg235Gln (NM_001370235.1, NM_001370236.1, NM_001370237.1); short protein forms R213Q, R214Q, R235Q, R236Q.
Identifiers: ClinVar variation 2196369 (VCV002196369.3), dbSNP rs780122862, ClinGen allele CA9322897.